The following is an entry in ClinVar:

ClinVar aggregate classification (germline): Uncertain significance (1 of 4 stars; one submission).

Conditions:
Multiple endocrine neoplasia, type 1 (MEN1). Also called: MEN I; WERMER SYNDROME; Endocrine adenomatosis multiple; MEN 1; MEA I. Identifiers: Orphanet 652, MedGen C0025267, MeSH D018761, MONDO:0007540, OMIM 131100.

Submission:

Labcorp Genetics (formerly Invitae), Labcorp
Classification: Uncertain significance for Multiple endocrine neoplasia, type 1. Last evaluated: 2020-07-02. Review status: criteria provided, single submitter. Criteria: Invitae Variant Classification Sherloc (09022015). Collection method: clinical testing. Allele origin: germline.
Comment: This sequence change replaces serine with cysteine at codon 142 of the MEN1 protein (p.Ser142Cys). The serine residue is highly conserved and there is a moderate physicochemical difference between serine and cysteine. This variant is not present in population databases (ExAC no frequency). This variant has not been reported in the literature in individuals with MEN1-related conditions. Algorithms developed to predict the effect of missense changes on protein structure and function are either unavailable or do not agree on the potential impact of this missense change (SIFT: "Deleterious"; PolyPhen-2: "Probably Damaging"; Align-GVGD: "Class C15"). In summary, the available evidence is currently insufficient to determine the role of this variant in disease. Therefore, it has been classified as a Variant of Uncertain Significance.

NM_001370259.2(MEN1):c.425C>G (p.Ser142Cys)

Gene: MEN1 (menin 1; minus strand). Cytogenetic location: 11q13.1.
Variant type: single nucleotide variant.
Coding change: c.425C>G on transcript NM_001370259.2 (MANE Select); coding-DNA position 425, C replaced by G.
Protein change: p.Ser142Cys; replaces serine 142 with cysteine.
Molecular consequence: missense variant.
Genome position (GRCh38, 1-based): chr11:64,809,685, G>C on the plus strand (C>G on the coding strand, the complement: MEN1 is on the minus strand). VCF-style: chr11-64809685-G-C. GRCh37 (hg19) VCF-style: chr11-64577157-G-C.
Other names: c.425C>G, p.Ser142Cys (NM_000244.4, NM_001370251.2, NM_001370260.2 and 9 more transcripts); short protein forms S142C.
Identifiers: ClinVar variation 1063930 (VCV001063930.9), dbSNP rs1941976986, ClinGen allele CA381186742.